The following is an entry in ClinVar:

ClinVar aggregate classification (germline): Uncertain significance (1 of 4 stars; one submission).

Conditions:
RASopathy. Also called: Noonan spectrum disorder; rasopathies. Identifiers: Orphanet 536391, MedGen C5555857, MONDO:0021060.

Submission:

Labcorp Genetics (formerly Invitae), Labcorp
Classification: Uncertain significance for RASopathy. Last evaluated: 2020-10-16. Review status: criteria provided, single submitter. Criteria: Invitae Variant Classification Sherloc (09022015). Collection method: clinical testing. Allele origin: germline.
Comment: In summary, the available evidence is currently insufficient to determine the role of this variant in disease. Therefore, it has been classified as a Variant of Uncertain Significance. Algorithms developed to predict the effect of missense changes on protein structure and function (SIFT, PolyPhen-2, Align-GVGD) all suggest that this variant is likely to be disruptive, but these predictions have not been confirmed by published functional studies and their clinical significance is uncertain. This variant has not been reported in the literature in individuals with CBL-related conditions. This variant is not present in population databases (ExAC no frequency). This sequence change replaces leucine with glutamine at codon 87 of the CBL protein (p.Leu87Gln). The leucine residue is highly conserved and there is a moderate physicochemical difference between leucine and glutamine.

NM_005188.4(CBL):c.260T>A (p.Leu87Gln)

Gene: CBL (Cbl proto-oncogene; plus strand). Cytogenetic location: 11q23.3.
Variant type: single nucleotide variant.
Coding change: c.260T>A on transcript NM_005188.4 (MANE Select); coding-DNA position 260, T replaced by A.
Protein change: p.Leu87Gln; replaces leucine 87 with glutamine.
Molecular consequence: missense variant.
Genome position (GRCh38, 1-based): chr11:119,232,512, T>A. VCF-style: chr11-119232512-T-A. GRCh37 (hg19) VCF-style: chr11-119103222-T-A.
Other names: short protein forms L87Q.
Identifiers: ClinVar variation 1057559 (VCV001057559.9), dbSNP rs2135266203, ClinGen allele CA382894451.